The following is an entry in ClinVar:

NM_000883.4(IMPDH1):c.706G>A (p.Gly236Ser)

Gene: IMPDH1 (inosine monophosphate dehydrogenase 1; minus strand). Cytogenetic location: 7q32.1.
Variant type: single nucleotide variant.
Coding change: c.706G>A on transcript NM_000883.4 (MANE Select); coding-DNA position 706, G replaced by A.
Protein change: p.Gly236Ser; replaces glycine 236 with serine.
Molecular consequence: missense variant.
Genome position (GRCh38, 1-based): chr7:128,400,413, C>T on the plus strand (G>A on the coding strand, the complement: IMPDH1 is on the minus strand). VCF-style: chr7-128400413-C-T. GRCh37 (hg19) VCF-style: chr7-128040467-C-T.
Other names: c.676G>A, p.Gly226Ser (NM_001102605.2); c.451G>A, p.Gly151Ser (NM_001142573.2); c.436G>A, p.Gly146Ser (NM_001142574.2); c.376G>A, p.Gly126Ser (NM_001142575.2); c.607G>A, p.Gly203Ser (NM_001142576.2); c.499G>A, p.Gly167Ser (NM_001304521.2); c.598G>A, p.Gly200Ser (NM_183243.3); short protein forms G236S, G126S, G151S, G167S, G203S, G146S, G200S, G226S.
Identifiers: ClinVar variation 2887370 (VCV002887370.3), dbSNP rs1584734704, ClinGen allele CA369173387.

ClinVar aggregate classification (germline): Uncertain significance (1 of 4 stars; one submission).

Allele frequency attached by ClinVar (database versions not stated): gnomAD exomes below 0.00001; TOPMed below 0.00001.
gnomAD v4.1: 5 of 1,612,428 alleles (0.00031%); highest among the groups gnomAD compares: African/African-American, 0.0013%; no homozygotes.

Submission:

Labcorp Genetics (formerly Invitae), Labcorp
Classification: Uncertain significance. Last evaluated: 2023-06-30. Review status: criteria provided, single submitter. Criteria: Invitae Variant Classification Sherloc (09022015). Collection method: clinical testing. Allele origin: germline.
Comment: In summary, the available evidence is currently insufficient to determine the role of this variant in disease. Therefore, it has been classified as a Variant of Uncertain Significance. An algorithm developed to predict the effect of missense changes on protein structure and function (PolyPhen-2) suggests that this variant is likely to be disruptive. This variant has not been reported in the literature in individuals affected with IMPDH1-related conditions. This variant is not present in population databases (gnomAD no frequency). This sequence change replaces glycine, which is neutral and non-polar, with serine, which is neutral and polar, at codon 236 of the IMPDH1 protein (p.Gly236Ser).